The following is an entry in ClinVar:

NM_003238.6(TGFB2):c.1219A>G (p.Ile407Val)

Gene: TGFB2 (transforming growth factor beta 2; plus strand). Cytogenetic location: 1q41.
Variant type: single nucleotide variant.
Coding change: c.1219A>G on transcript NM_003238.6 (MANE Select); coding-DNA position 1219, A replaced by G.
Protein change: p.Ile407Val; replaces isoleucine 407 with valine.
Molecular consequence: missense variant. On other transcripts: non-coding transcript variant (2).
Genome position (GRCh38, 1-based): chr1:218,441,336, A>G. VCF-style: chr1-218441336-A-G. GRCh37 (hg19) VCF-style: chr1-218614678-A-G.
Other names: c.1303A>G, p.Ile435Val (NM_001135599.4); c.1219A>G (NM_003238.3); short protein forms I407V, I435V.
Identifiers: ClinVar variation 4811904 (VCV004811904.3).

ClinVar aggregate classification (germline): Uncertain significance. Review status: criteria provided, multiple submitters, no conflicts (2 of 4 stars). 3 submissions from 3 submitters: Uncertain significance (3). Last evaluated 2026-09-06.

Conditions:
Familial thoracic aortic aneurysm and aortic dissection (TAAD). Also called: Thoracic aortic aneurysms and dissections. Identifiers: Orphanet 91387, MedGen C4707243, MONDO:0019625.
Loeys-Dietz syndrome 4 (LDS4). Also called: ANEURYSM, AORTIC AND CEREBRAL, WITH ARTERIAL TORTUOSITY AND SKELETAL MANIFESTATIONS; TGFB2-Related Loeys-Dietz Syndrome. Identifiers: MedGen C3553762, MONDO:0013897, OMIM 614816.

gnomAD v4.1: 12 of 1,607,560 alleles (0.00075%); highest among the groups gnomAD compares: Non-Finnish European, 0.00093%; no homozygotes.

Submissions (3):

Ambry Genetics
Classification: Uncertain significance for Familial thoracic aortic aneurysm and aortic dissection. Last evaluated: 2026-09-06. Review status: criteria provided, single submitter. Criteria: Ambry Variant Classification Scheme 2023. Collection method: clinical testing. Allele origin: germline.
Comment: The p.I407V variant (also known as c.1219A>G), located in coding exon 7 of the TGFB2 gene, results from an A to G substitution at nucleotide position 1219. The isoleucine at codon 407 is replaced by valine, an amino acid with highly similar properties. This amino acid position is conserved. In addition, this alteration is predicted to be tolerated by in silico analysis. Based on the available evidence, the clinical significance of this variant remains unclear.

Labcorp Genetics (formerly Invitae), Labcorp
Classification: Uncertain significance for Loeys-Dietz syndrome 4. Last evaluated: 2026-02-04. Review status: criteria provided, single submitter. Criteria: Invitae Variant Classification Sherloc (09022015). Collection method: clinical testing. Allele origin: germline.
Comment: This sequence change replaces isoleucine, which is neutral and non-polar, with valine, which is neutral and non-polar, at codon 407 of the TGFB2 protein (p.Ile407Val). This variant is not present in population databases (gnomAD no frequency). This variant has not been reported in the literature in individuals affected with TGFB2-related conditions. Invitae Evidence Modeling of protein sequence and biophysical properties (such as structural, functional, and spatial information, amino acid conservation, physicochemical variation, residue mobility, and thermodynamic stability) indicates that this missense variant is not expected to disrupt TGFB2 protein function with a negative predictive value of 80%. In summary, the available evidence is currently insufficient to determine the role of this variant in disease. Therefore, it has been classified as a Variant of Uncertain Significance.

Blueprint Genetics
Classification: Uncertain significance. Last evaluated: 2024-10-31. Review status: criteria provided, single submitter. Criteria: ACMG Guidelines, 2015. Collection method: clinical testing. Allele origin: germline.